The following is an entry in ClinVar:

NM_003482.4(KMT2D):c.9626T>G (p.Leu3209Arg)

Gene: KMT2D (lysine methyltransferase 2D; minus strand). Cytogenetic location: 12q13.12.
Variant type: single nucleotide variant.
Coding change: c.9626T>G on transcript NM_003482.4 (MANE Select); coding-DNA position 9626, T replaced by G.
Protein change: p.Leu3209Arg; replaces leucine 3209 with arginine.
Molecular consequence: missense variant.
Genome position (GRCh38, 1-based): chr12:49,037,730, A>C on the plus strand (T>G on the coding strand, the complement: KMT2D is on the minus strand). VCF-style: chr12-49037730-A-C. GRCh37 (hg19) VCF-style: chr12-49431513-A-C.
Other names: short protein forms L3209R.
Identifiers: ClinVar variation 1721614 (VCV001721614.5), dbSNP rs2498382379, ClinGen allele CA384737009.

ClinVar aggregate classification (germline): Uncertain significance (1 of 4 stars; one submission).

Conditions:
Kabuki syndrome. Also called: NIIKAWA-KUROKI SYNDROME; Kabuki make-up syndrome. Identifiers: Orphanet 2322, MedGen C0796004, MONDO:0016512.

Submission:

Labcorp Genetics (formerly Invitae), Labcorp
Classification: Uncertain significance for Kabuki syndrome. Last evaluated: 2023-02-08. Review status: criteria provided, single submitter. Criteria: Invitae Variant Classification Sherloc (09022015). Collection method: clinical testing. Allele origin: germline.
Comment: This sequence change replaces leucine, which is neutral and non-polar, with arginine, which is basic and polar, at codon 3209 of the KMT2D protein (p.Leu3209Arg). This variant is not present in population databases (gnomAD no frequency). This variant has not been reported in the literature in individuals affected with KMT2D-related conditions. This missense change has been observed in at least one individual who was not affected with KMT2D-related conditions (Invitae). ClinVar contains an entry for this variant (Variation ID: 1721614). Advanced modeling of protein sequence and biophysical properties (such as structural, functional, and spatial information, amino acid conservation, physicochemical variation, residue mobility, and thermodynamic stability) performed at Invitae indicates that this missense variant is expected to disrupt KMT2D protein function. In summary, the available evidence is currently insufficient to determine the role of this variant in disease. Therefore, it has been classified as a Variant of Uncertain Significance.